The following is an entry in ClinVar:

NM_000368.5(TSC1):c.2965G>T (p.Ala989Ser)

Gene: TSC1 (TSC complex subunit 1; minus strand). Cytogenetic location: 9q34.13.
Variant type: single nucleotide variant.
Coding change: c.2965G>T on transcript NM_000368.5 (MANE Select); coding-DNA position 2965, G replaced by T.
Protein change: p.Ala989Ser; replaces alanine 989 with serine.
Molecular consequence: missense variant.
Genome position (GRCh38, 1-based): chr9:132,897,194, C>A on the plus strand (G>T on the coding strand, the complement: TSC1 is on the minus strand). VCF-style: chr9-132897194-C-A. GRCh37 (hg19) VCF-style: chr9-135772581-C-A.
Other names: c.2962G>T, p.Ala988Ser (NM_001162426.2); c.2812G>T, p.Ala938Ser (NM_001162427.2); c.2602G>T, p.Ala868Ser (NM_001362177.2); short protein forms A989S, A868S, A938S, A988S.
Identifiers: ClinVar variation 365510 (VCV000365510.29), dbSNP rs537585211, ClinGen allele CA035133.

ClinVar aggregate classification (germline): Conflicting classifications of pathogenicity. Review status: criteria provided, conflicting classifications (1 of 4 stars). 10 submissions from 9 submitters: Uncertain significance (3); Benign (1); Likely benign (6). Last evaluated 2026-01-19.

Conditions:
TSC1-related disorder. Also called: TSC1-related condition.
Hereditary cancer-predisposing syndrome. Also called: Neoplastic Syndromes, Hereditary; Tumor predisposition; Hereditary Cancer Syndrome; Hereditary neoplastic syndrome. Identifiers: Orphanet 140162, MedGen C0027672, MeSH D009386, MONDO:0015356.
Tuberous sclerosis 1 (TSC1). Identifiers: Orphanet 805, MedGen C1854465, MONDO:0008612, OMIM 191100.
Isolated focal cortical dysplasia type II (FCORD2). Also called: CORTICAL DYSPLASIA OF TAYLOR; Focal cortical dysplasia type II. Identifiers: Orphanet 268994, MedGen C1846385, MONDO:0011818, OMIM 607341, HP:0032051.

Allele frequency attached by ClinVar (database versions not stated): gnomAD exomes 0.00001 and 0.00002; ExAC 0.00002; TOPMed 0.00005; gnomAD 0.00007 and 0.00008; 1000 Genomes Project 30x 0.00031; 1000 Genomes Project 0.00040.
gnomAD v4.1: 19 of 1,614,202 alleles (0.0012%); highest among the groups gnomAD compares: African/African-American, 0.021%; no homozygotes.

Submissions (10):

Labcorp Genetics (formerly Invitae), Labcorp
Classification: Likely benign for Tuberous sclerosis 1. Last evaluated: 2026-01-19. Review status: criteria provided, single submitter. Criteria: Invitae Variant Classification Sherloc (09022015). Collection method: clinical testing. Allele origin: germline.

Myriad Genetics, Inc.
Classification: Likely benign for Tuberous sclerosis 1. Last evaluated: 2024-08-14. Review status: criteria provided, single submitter. Criteria: Myriad Autosomal Dominant, Autosomal Recessive and X-Linked Classification Criteria (2023). Collection method: clinical testing. Allele origin: unknown.
Comment: This variant is considered likely benign. This variant has been observed at a population frequency that is significantly greater than expected given the associated disease prevalence and penetrance.

St. Jude Molecular Pathology, St. Jude Children's Research Hospital
Classification: Uncertain significance for Tuberous sclerosis 1. Last evaluated: 2023-10-26. Review status: criteria provided, single submitter. Criteria: St. Jude Assertion Criteria 2020. Collection method: clinical testing. Allele origin: germline.
Comment: The TSC1 c.2965G>T (p.Ala989Ser) missense change has a maximum subpopulation frequency of 0.028% in gnomAD v2.1.1. The in silico tool REVEL is inconclusive about a pathogenic or benign effect of this variant on protein function, and to our knowledge functional studies have not been performed. To our knowledge, this variant has not been reported in individuals with tuberous sclerosis complex. In summary, the evidence currently available is insufficient to determine the clinical significance of this variant. It has therefore been classified as of uncertain significance.

Ambry Genetics
Classification: Likely benign for Hereditary cancer-predisposing syndrome. Last evaluated: 2023-03-14. Review status: criteria provided, single submitter. Criteria: Ambry Variant Classification Scheme 2023. Collection method: clinical testing. Allele origin: germline.

PreventionGenetics, part of Exact Sciences
Classification: Uncertain significance for TSC1-related condition. Last evaluated: 2023-01-10. Review status: criteria provided, single submitter. Criteria: ACMG Guidelines, 2015. Collection method: clinical testing. Allele origin: germline.
Comment: The TSC1 c.2965G>T variant is predicted to result in the amino acid substitution p.Ala989Ser. To our knowledge, this variant has not been reported in the literature. This variant is reported in 0.028% of alleles in individuals of African descent in gnomAD and has conflicting interpretations from benign to uncertain in ClinVar. Although we suspect that this variant may be benign, at this time, the clinical significance of this variant is uncertain due to the absence of conclusive functional and genetic evidence.

Genome-Nilou Lab
Classification: Likely benign for Tuberous sclerosis 1. Last evaluated: 2021-11-07. Review status: criteria provided, single submitter. Criteria: ACMG Guidelines, 2015. Collection method: clinical testing. Allele origin: germline. Affected: no.

Sema4
Classification: Uncertain significance for Hereditary cancer-predisposing syndrome. Last evaluated: 2021-04-19. Review status: criteria provided, single submitter. Criteria: Sema4 Curation Guidelines. Collection method: curation. Allele origin: germline.
Comment: The TSC1 c.2965G>T (p.A989S) variant has not been reported in the literature to our knowledge. It was observed in 7/24964 chromosomes of the African/African American subpopulation in the large and broad cohorts of the Genome Aggregation Database. The variant has been reported in ClinVar (Variation ID 365510). In silico tools suggest the impact of the variant on protein function is inconclusive, though these predictions have not been confirmed by functional studies. There is no indication that this variant causes disease, but the evidence is insufficient currently to prove that conclusively. Thus, the clinical significance of this variant is currently uncertain.

GeneDx
Classification: Likely benign. Last evaluated: 2021-03-26. Review status: criteria provided, single submitter. Criteria: GeneDx Variant Classification Process June 2021. Collection method: clinical testing. Allele origin: germline. Affected: yes.

Illumina Laboratory Services, Illumina
Classification: Likely benign for Tuberous sclerosis 1. Last evaluated: 2018-01-12. Review status: criteria provided, single submitter. Criteria: ICSL Variant Classification Criteria 13 December 2019. Collection method: clinical testing. Allele origin: germline.
Comment: This variant was observed in the ICSL laboratory as part of a predisposition screen in an ostensibly healthy population. It had not been previously curated by ICSL or reported in the Human Gene Mutation Database (HGMD: prior to June 1st, 2018), and was therefore a candidate for classification through an automated scoring system. Utilizing variant allele frequency, disease prevalence and penetrance estimates, and inheritance mode, an automated score was calculated to assess if this variant is too frequent to cause the disease. Based on the score and internal cut-off values, a variant classified as likely benign is not then subjected to further curation. The score for this variant resulted in a classification of likely benign for this disease.

Illumina Laboratory Services, Illumina
Classification: Benign for Isolated focal cortical dysplasia type II. Last evaluated: 2018-01-12. Review status: criteria provided, single submitter. Criteria: ICSL Variant Classification Criteria 13 December 2019. Collection method: clinical testing. Allele origin: germline.
Comment: This variant was observed in the ICSL laboratory as part of a predisposition screen in an ostensibly healthy population. It had not been previously curated by ICSL or reported in the Human Gene Mutation Database (HGMD: prior to June 1st, 2018), and was therefore a candidate for classification through an automated scoring system. Utilizing variant allele frequency, disease prevalence and penetrance estimates, and inheritance mode, an automated score was calculated to assess if this variant is too frequent to cause the disease. Based on the score and internal cut-off values, a variant classified as benign is not then subjected to further curation. The score for this variant resulted in a classification of benign for this disease.